The following is an entry in ClinVar:

ClinVar aggregate classification (germline): Uncertain significance. Review status: criteria provided, multiple submitters, no conflicts (2 of 4 stars). 2 submissions from 2 submitters: Uncertain significance (2). Last evaluated 2022-04-27.

Allele frequency attached by ClinVar (database versions not stated): gnomAD exomes below 0.00001 and 0.00001; ExAC 0.00001.
gnomAD v4.1: 4 of 1,613,930 alleles (0.00025%); highest among the groups gnomAD compares: Admixed American, 0.0017%; no homozygotes.

Submissions (2):

Labcorp Genetics (formerly Invitae), Labcorp
Classification: Uncertain significance. Last evaluated: 2022-04-27. Review status: criteria provided, single submitter. Criteria: Invitae Variant Classification Sherloc (09022015). Collection method: clinical testing. Allele origin: germline.
Comment: This sequence change replaces isoleucine, which is neutral and non-polar, with valine, which is neutral and non-polar, at codon 5617 of the ADGRV1 protein (p.Ile5617Val). This variant is present in population databases (rs752710434, gnomAD 0.0009%). This variant has not been reported in the literature in individuals affected with ADGRV1-related conditions. ClinVar contains an entry for this variant (Variation ID: 1318938). Algorithms developed to predict the effect of missense changes on protein structure and function output the following: SIFT: "Tolerated"; PolyPhen-2: "Benign"; Align-GVGD: "Class C0". The valine amino acid residue is found in multiple mammalian species, which suggests that this missense change does not adversely affect protein function. In summary, the available evidence is currently insufficient to determine the role of this variant in disease. Therefore, it has been classified as a Variant of Uncertain Significance.

GeneDx
Classification: Uncertain significance. Last evaluated: 2019-04-11. Review status: criteria provided, single submitter. Criteria: GeneDx Variant Classification Process June 2021. Collection method: clinical testing. Allele origin: germline. Affected: yes.
Comment: Not observed at a significant frequency in large population cohorts (Lek et al., 2016); In silico analysis, which includes protein predictors and evolutionary conservation, supports that this variant does not alter protein structure/function; Has not been previously published as pathogenic or benign to our knowledge

NM_032119.4(ADGRV1):c.16849A>G (p.Ile5617Val)

Gene: ADGRV1 (adhesion G protein-coupled receptor V1; plus strand). Cytogenetic location: 5q14.3.
Variant type: single nucleotide variant.
Coding change: c.16849A>G on transcript NM_032119.4 (MANE Select); coding-DNA position 16849, A replaced by G.
Protein change: p.Ile5617Val; replaces isoleucine 5617 with valine.
Molecular consequence: missense variant. On other transcripts: non-coding transcript variant (1).
Genome position (GRCh38, 1-based): chr5:90,840,815, A>G. VCF-style: chr5-90840815-A-G. GRCh37 (hg19) VCF-style: chr5-90136632-A-G.
Other names: short protein forms I5617V.
Identifiers: ClinVar variation 1318938 (VCV001318938.4), dbSNP rs752710434, ClinGen allele CA3342236.